The following is an entry in ClinVar:

NM_139058.3(ARX):c.486_489del (p.Ser162fs)

Gene: ARX (aristaless related homeobox; minus strand). Cytogenetic location: Xp21.3.
Variant type: Deletion.
Coding change: c.486_489del on transcript NM_139058.3 (MANE Select); coding-DNA positions 486 to 489, 4 bases deleted (CCAG; older notation c.486_489delCCAG).
Protein change: p.Ser162fs; shifts the reading frame from serine 162.
Molecular consequence: frameshift variant.
Genome position (GRCh38, 1-based): chrX:25,013,506-25,013,509, CTGG deleted on the plus strand (CCAG on the coding strand, the reverse complement: ARX is on the minus strand); deleting any 4 consecutive bases within chrX:25,013,506-25,013,512 gives the same sequence; the c. name uses the placement nearest the transcript's 3' end. VCF-style (leftmost placement, unchanged base first): chrX-25013505-CCTGG-C. GRCh37 (hg19) VCF-style: chrX-25031622-CCTGG-C.
Other names: short protein forms S162fs.
Identifiers: ClinVar variation 2950977 (VCV002950977.3), dbSNP rs2519107209, ClinGen allele CA2740092070.

ClinVar aggregate classification (germline): Pathogenic (1 of 4 stars; one submission).

Conditions:
Intellectual disability, X-linked, with or without seizures, ARX-related. Also called: MENTAL RETARDATION, X-LINKED 29; MENTAL RETARDATION, X-LINKED 32; MENTAL RETARDATION, X-LINKED 33; MENTAL RETARDATION, X-LINKED 38; MENTAL RETARDATION, X-LINKED 43; MENTAL RETARDATION, X-LINKED 76. Identifiers: Orphanet 777, MedGen C0796244, MONDO:0010317, OMIM 300419.
Developmental and epileptic encephalopathy, 1 (DEE1). Also called: X-linked infantile spasms; West's syndrome; Tonic spasms with clustering, arrest of psychomotor development and hypsarrhythmia on EEG; X-Linked Infantile Spasm Syndrome; OHTAHARA SYNDROME, X-LINKED; Epileptic encephalopathy, early infantile, 1. Identifiers: MedGen C3463992, MONDO:0010632, OMIM 308350. Disease mechanism: loss of function.

Submission:

Labcorp Genetics (formerly Invitae), Labcorp
Classification: Pathogenic for Developmental and epileptic encephalopathy, 1; Intellectual disability, X-linked, with or without seizures, ARX-related. Last evaluated: 2023-08-14. Review status: criteria provided, single submitter. Criteria: Invitae Variant Classification Sherloc (09022015). Collection method: clinical testing. Allele origin: germline.
Comment: This variant has not been reported in the literature in individuals affected with ARX-related conditions. This sequence change creates a premature translational stop signal (p.Ser162Argfs*5) in the ARX gene. It is expected to result in an absent or disrupted protein product. Loss-of-function variants in ARX are known to be pathogenic (PMID: 19439424, 19738637). The frequency data for this variant in the population databases is considered unreliable, as metrics indicate insufficient coverage at this position in the gnomAD database. For these reasons, this variant has been classified as Pathogenic.

Literature cited by the submitters: PubMed 19439424; PubMed 19738637.